The following is an entry in ClinVar:

NM_000135.4(FANCA):c.2997C>G (p.Asp999Glu)

Gene: FANCA (FA complementation group A; minus strand). Cytogenetic location: 16q24.3.
Variant type: single nucleotide variant.
Coding change: c.2997C>G on transcript NM_000135.4 (MANE Select); coding-DNA position 2997, C replaced by G.
Protein change: p.Asp999Glu; replaces aspartic acid 999 with glutamic acid.
Molecular consequence: missense variant.
Genome position (GRCh38, 1-based): chr16:89,752,207, G>C on the plus strand (C>G on the coding strand, the complement: FANCA is on the minus strand). VCF-style: chr16-89752207-G-C. GRCh37 (hg19) VCF-style: chr16-89818615-G-C.
Other names: c.2997C>G, p.Asp999Glu (NM_001286167.3); short protein forms D999E.
Identifiers: ClinVar variation 4870833 (VCV004870833.1).

ClinVar aggregate classification (germline): Uncertain significance (1 of 4 stars; one submission).

Conditions:
Inborn genetic diseases. Identifiers: MedGen C0950123, MeSH D030342.

gnomAD v4.1: 1 of 1,613,808 alleles (0.000062%); no homozygotes.

Submission:

Ambry Genetics
Classification: Uncertain significance for Inborn genetic diseases. Last evaluated: 2026-04-12. Review status: criteria provided, single submitter. Criteria: Ambry Variant Classification Scheme 2023. Collection method: clinical testing. Allele origin: germline.
Comment: The p.D999E variant (also known as c.2997C>G), located in coding exon 31 of the FANCA gene, results from a C to G substitution at nucleotide position 2997. The aspartic acid at codon 999 is replaced by glutamic acid, an amino acid with highly similar properties. This amino acid position is conserved. In addition, this alteration is predicted to be tolerated by in silico analysis. Based on the available evidence, the clinical significance of this variant remains unclear.